The following is an entry in ClinVar:

ClinVar aggregate classification (germline): Pathogenic. Review status: criteria provided, multiple submitters, no conflicts (2 of 4 stars). 3 submissions from 3 submitters: Pathogenic (3). Last evaluated 2023-02-11.

Conditions:
Neurofibromatosis, type 1 (NF1). Also called: Neurofibromatosis, type I; Peripheral type neurofibromatosis; VON RECKLINGHAUSEN DISEASE; NEUROFIBROMATOSIS, TYPE I, SOMATIC. Identifiers: Orphanet 636, MedGen C0027831, MONDO:0018975, OMIM 162200. Disease mechanism: loss of function.
Hereditary cancer-predisposing syndrome. Also called: Neoplastic Syndromes, Hereditary; Hereditary Cancer Syndrome; Hereditary neoplastic syndrome; Tumor predisposition. Identifiers: Orphanet 140162, MedGen C0027672, MeSH D009386, MONDO:0015356.
Cardiovascular phenotype. Identifiers: MedGen CN230736.

Submissions (3):

Labcorp Genetics (formerly Invitae), Labcorp
Classification: Pathogenic for Neurofibromatosis, type 1. Last evaluated: 2023-02-11. Review status: criteria provided, single submitter. Criteria: Invitae Variant Classification Sherloc (09022015). Collection method: clinical testing. Allele origin: germline.
Comment: This sequence change creates a premature translational stop signal (p.Ala1202Leufs*13) in the NF1 gene. It is expected to result in an absent or disrupted protein product. Loss-of-function variants in NF1 are known to be pathogenic (PMID: 10712197, 23913538). For these reasons, this variant has been classified as Pathogenic. ClinVar contains an entry for this variant (Variation ID: 823979). This variant has not been reported in the literature in individuals affected with NF1-related conditions. This variant is not present in population databases (gnomAD no frequency).

Genome-Nilou Lab
Classification: Pathogenic for Neurofibromatosis, type 1. Last evaluated: 2022-03-15. Review status: criteria provided, single submitter. Criteria: ACMG Guidelines, 2015. Collection method: clinical testing. Allele origin: germline. Affected: no.

Ambry Genetics
Classification: Pathogenic for Cardiovascular phenotype; Hereditary cancer-predisposing syndrome. Last evaluated: 2018-07-12. Review status: criteria provided, single submitter. Criteria: Ambry Variant Classification Scheme 2023. Collection method: clinical testing. Allele origin: germline.
Comment: The c.3604delG variant, located in coding exon 27 of the NF1 gene, results from a deletion of one nucleotide at nucleotide position 3604, causing a translational frameshift with a predicted alternate stop codon (p.A1202Lfs*13). This alteration is expected to result in loss of function by premature protein truncation or nonsense-mediated mRNA decay. As such, this alteration is interpreted as a disease-causing mutation.

Literature cited by the submitters: PubMed 10712197 (cited by Labcorp Genetics (formerly Invitae), Labcorp); PubMed 23913538 (cited by Labcorp Genetics (formerly Invitae), Labcorp).

NM_001042492.3(NF1):c.3604del (p.Ala1202fs)

Gene: NF1 (neurofibromin 1; plus strand). Cytogenetic location: 17q11.2.
Variant type: Deletion.
Coding change: c.3604del on transcript NM_001042492.3 (MANE Select); coding-DNA position 3604, one base deleted (G; older notation c.3604delG).
Protein change: p.Ala1202fs; shifts the reading frame from alanine 1202.
Molecular consequence: frameshift variant.
Genome position (GRCh38, 1-based): chr17:31,233,109, G deleted; the last of 2 consecutive G bases (chr17:31,233,108-31,233,109); deleting either gives the same sequence. VCF-style (leftmost placement, unchanged base first): chr17-31233107-TG-T. GRCh37 (hg19) VCF-style: chr17-29560125-TG-T.
Other names: c.3604delG (NM_000267.3); c.3604delG, p.Ala1202Leufs (NM_000267.4); short protein forms A1202fs.
Identifiers: ClinVar variation 823979 (VCV000823979.10), dbSNP rs1597720036, ClinGen allele CA915949915.